The following is an entry in ClinVar:

NM_017934.7(PHIP):c.5131C>G (p.Arg1711Gly)

Genes: IRAK1BP1 (interleukin 1 receptor associated kinase 1 binding protein 1; plus strand), PHIP (PHIP subunit of CUL4-Ring ligase complex; minus strand). Cytogenetic location: 6q14.1.
Variant type: single nucleotide variant.
Coding change: c.5131C>G on transcript NM_017934.7 (MANE Select); coding-DNA position 5131, C replaced by G.
Protein change: p.Arg1711Gly; replaces arginine 1711 with glycine.
Molecular consequence: missense variant.
Genome position (GRCh38, 1-based): chr6:78,941,028, G>C on the plus strand (C>G on the coding strand, the complement: PHIP is on the minus strand). VCF-style: chr6-78941028-G-C. GRCh37 (hg19) VCF-style: chr6-79650745-G-C.
Other names: short protein forms R1711G.
Identifiers: ClinVar variation 3343321 (VCV003343321.2).
Genomic context (GRCh38, chr6:78,941,028, plus strand): 5'-CTAGGAGATCTGCATCTAATTTTTGTGTCTTCATCTTCCTTTTGGGCTTCCTACCTCCAC[G>C]ATTCTTTTTCTGTAACAAATCTTCCTTTACATTATTAGTTTCAGAAAGAAAATTGCATGT-3'
Protein context (NP_060404.4, residues 1701-1721): VKEDLLQKKN[Arg1711Gly]GGRKPKRKMK

ClinVar aggregate classification (germline): Uncertain significance (1 of 4 stars; one submission).

gnomAD v4.1: 2 of 1,613,684 alleles (0.00012%); highest among the groups gnomAD compares: Non-Finnish European, 0.000085%; no homozygotes.

Submission:

GeneDx
Classification: Uncertain significance. Last evaluated: 2026-03-18. Review status: criteria provided, single submitter. Criteria: GeneDx Variant Classification Process June 2021. Collection method: clinical testing. Allele origin: germline.
Comment: Not observed at significant frequency in large population cohorts (gnomAD); In silico analysis suggests that this missense variant does not alter protein structure/function; Has not been previously published as pathogenic or benign to our knowledge